The following is an entry in ClinVar:

ClinVar aggregate classification (germline): Uncertain significance (1 of 4 stars; one submission).

Conditions:
Hereditary cancer-predisposing syndrome. Also called: Neoplastic Syndromes, Hereditary; Tumor predisposition; Hereditary Cancer Syndrome; Hereditary neoplastic syndrome. Identifiers: Orphanet 140162, MedGen C0027672, MeSH D009386, MONDO:0015356.

Submission:

Ambry Genetics
Classification: Uncertain significance for Hereditary cancer-predisposing syndrome. Last evaluated: 2026-08-17. Review status: criteria provided, single submitter. Criteria: Ambry Variant Classification Scheme 2023. Collection method: clinical testing. Allele origin: germline.
Comment: The p.E291V variant (also known as c.872A>T), located in coding exon 6 of the FH gene, results from an A to T substitution at nucleotide position 872. The glutamic acid at codon 291 is replaced by valine, an amino acid with dissimilar properties. This amino acid position is highly conserved in available vertebrate species. In addition, this alteration is predicted to be deleterious by in silico analysis. Based on the available evidence, the clinical significance of this variant remains unclear.

NM_000143.4(FH):c.872A>T (p.Glu291Val)

Gene: FH (fumarate hydratase; minus strand). Cytogenetic location: 1q43.
Variant type: single nucleotide variant.
Coding change: c.872A>T on transcript NM_000143.4 (MANE Select); coding-DNA position 872, A replaced by T.
Protein change: p.Glu291Val; replaces glutamic acid 291 with valine.
Molecular consequence: missense variant.
Genome position (GRCh38, 1-based): chr1:241,506,035, T>A on the plus strand (A>T on the coding strand, the complement: FH is on the minus strand). VCF-style: chr1-241506035-T-A. GRCh37 (hg19) VCF-style: chr1-241669335-T-A.
Other names: short protein forms E291V.
Identifiers: ClinVar variation 4024837 (VCV004024837.2).
Genomic context (GRCh38, chr1:241,506,035, plus strand): 5'-ATGAGAAATAATTCACGTGATCACTAACCTGTAAGTGCAGCCACTTTTGCAGCAACCTTT[T>A]CTGCAAAGCCAATTCTAGTATTTAAACCTGTACCAACAGCAGTGCCTCCAGCTGCGAGCT-3'
Protein context (NP_000134.2, residues 281-301): TGLNTRIGFA[Glu291Val]KVAAKVAALT